The following is an entry in ClinVar:

ClinVar aggregate classification (germline): Likely benign (1 of 4 stars; one submission).

gnomAD v4.1: 4 of 1,601,218 alleles (0.00025%); highest among the groups gnomAD compares: Non-Finnish European, 0.00034%; no homozygotes.

Submission:

Mayo Clinic Laboratories, Mayo Clinic
Classification: Likely benign. Last evaluated: 2025-09-08. Review status: criteria provided, single submitter. Criteria: ACMG Guidelines, 2015. Collection method: clinical testing. Allele origin: germline. Observed: 1 variant allele.
Comment: BP4, BP7

NM_001020658.2(PUM1):c.1569A>G (p.Gln523=)

Gene: PUM1 (pumilio RNA binding family member 1; minus strand). Cytogenetic location: 1p35.2.
Variant type: single nucleotide variant.
Coding change: c.1569A>G on transcript NM_001020658.2 (MANE Select); coding-DNA position 1569, A replaced by G.
Protein change: p.Gln523=; no amino-acid change (glutamine 523 retained).
Molecular consequence: synonymous variant.
Genome position (GRCh38, 1-based): chr1:30,968,430, T>C on the plus strand (A>G on the coding strand, the complement: PUM1 is on the minus strand). VCF-style: chr1-30968430-T-C. GRCh37 (hg19) VCF-style: chr1-31441277-T-C.
Other names: p.Gln523=; c.1569A>G, p.Gln523= (NM_014676.3).
Identifiers: ClinVar variation 4684817 (VCV004684817.1).
Genomic context (GRCh38, chr1:30,968,430, plus strand): 5'-CAGACCTTGTCCAAATGCAAGGGCAGAATTCACTGCTGCAGCTGCCACAAGGGGATCCGT[T>C]TGCTGTCCCTGCTGGTTCTGGTTTGGGGTCAAAGGACGTTGGCTGGCTCCTCCACGGAGA-3'
Protein context (NP_001018494.1, residues 513-533): LTPNQNQQGQ[Gln523=]TDPLVAAAAV